The following is an entry in ClinVar:

ClinVar aggregate classification (germline): Uncertain significance (1 of 4 stars; one submission).

Conditions:
Atrial fibrillation, familial, 7 (ATFB7). Identifiers: MedGen C2677106, MONDO:0012828, OMIM 612240.

gnomAD v4.1: 3 of 1,546,792 alleles (0.00019%); highest among the groups gnomAD compares: Admixed American, 0.0019%; no homozygotes.

Submission:

Labcorp Genetics (formerly Invitae), Labcorp
Classification: Uncertain significance for Atrial fibrillation, familial, 7. Last evaluated: 2024-10-18. Review status: criteria provided, single submitter. Criteria: Invitae Variant Classification Sherloc (09022015). Collection method: clinical testing. Allele origin: germline.
Comment: This sequence change replaces glutamic acid, which is acidic and polar, with lysine, which is basic and polar, at codon 48 of the KCNA5 protein (p.Glu48Lys). This variant is present in population databases (no rsID available, gnomAD 0.004%). This variant has not been reported in the literature in individuals affected with KCNA5-related conditions. An algorithm developed to predict the effect of missense changes on protein structure and function (PolyPhen-2) suggests that this variant is likely to be tolerated. In summary, the available evidence is currently insufficient to determine the role of this variant in disease. Therefore, it has been classified as a Variant of Uncertain Significance.

NM_002234.4(KCNA5):c.142G>A (p.Glu48Lys)

Gene: KCNA5 (potassium voltage-gated channel subfamily A member 5; plus strand). Cytogenetic location: 12p13.32.
Variant type: single nucleotide variant.
Coding change: c.142G>A on transcript NM_002234.4 (MANE Select); coding-DNA position 142, G replaced by A.
Protein change: p.Glu48Lys; replaces glutamic acid 48 with lysine.
Molecular consequence: missense variant.
Genome position (GRCh38, 1-based): chr12:5,044,289, G>A. VCF-style: chr12-5044289-G-A. GRCh37 (hg19) VCF-style: chr12-5153455-G-A.
Other names: short protein forms E48K.
Identifiers: ClinVar variation 2711762 (VCV002711762.3), dbSNP rs1392472991, ClinGen allele CA383461979.